The following is an entry in ClinVar:

ClinVar aggregate classification (germline): Uncertain significance (0 of 4 stars; one submission).

Conditions:
FUS-related disorder. Also called: FUS-related condition.

gnomAD v4.1: 79 of 1,214,702 alleles (0.0065%); highest among the groups gnomAD compares: Non-Finnish European, 0.0091%; no homozygotes.

Submission:

PreventionGenetics, part of Exact Sciences
Classification: Uncertain significance for FUS-related condition. Last evaluated: 2024-03-26. Review status: no assertion criteria provided. Collection method: clinical testing. Allele origin: germline.
Comment: The FUS c.*109G>A variant is located in the 3' untranslated region. To our knowledge, this variant has not been reported in the literature. This variant is reported in 0.0022% of alleles in individuals of European (Non-Finnish) descent in gnomAD. Other nucleotide substitutions in the 3' untranslated region have previously been reported to be pathogenic (Sabatelli et al. 2013. PubMed ID: 23847048; Brown et al. 2012. PubMed ID: 22292843). At this time, the clinical significance of this variant is uncertain due to the absence of conclusive functional and genetic evidence.

NM_004960.4(FUS):c.*109G>A

Gene: FUS (FUS RNA binding protein; plus strand). Cytogenetic location: 16p11.2.
Variant type: single nucleotide variant.
Coding change: c.*109G>A on transcript NM_004960.4 (MANE Select); 109 bases downstream of the stop codon, G replaced by A.
Molecular consequence: 3 prime UTR variant. On other transcripts: non-coding transcript variant (1).
Genome position (GRCh38, 1-based): chr16:31,191,547, G>A. VCF-style: chr16-31191547-G-A. GRCh37 (hg19) VCF-style: chr16-31202868-G-A.
Other names: c.*109G>A (NM_001170634.1, NM_001170937.1).
Identifiers: ClinVar variation 3351038 (VCV003351038.1).